The following is an entry in ClinVar:

NM_001365999.1(SZT2):c.4603G>C (p.Asp1535His)

Gene: SZT2 (SZT2 subunit of KICSTOR complex; plus strand). Cytogenetic location: 1p34.2.
Variant type: single nucleotide variant.
Coding change: c.4603G>C on transcript NM_001365999.1 (MANE Select); coding-DNA position 4603, G replaced by C.
Protein change: p.Asp1535His; replaces aspartic acid 1535 with histidine.
Molecular consequence: missense variant.
Genome position (GRCh38, 1-based): chr1:43,430,618, G>C. VCF-style: chr1-43430618-G-C. GRCh37 (hg19) VCF-style: chr1-43896289-G-C.
Other names: c.4432G>C, p.Asp1478His (NM_015284.4); short protein forms D1535H, D1478H.
Identifiers: ClinVar variation 2105031 (VCV002105031.4), dbSNP rs2545826896, ClinGen allele CA340022234.
Genomic context (GRCh38, chr1:43,430,618, plus strand): 5'-GAGAGCCGTGAATCAGACCTGGGGCCTGCTGGGCTAGACTCTGCCTCGCTGTCAGACGTA[G>C]ACACTGTGAATCCTGATGAAGACTCCTTCAGTATCTTGGGGGGCGACTCACCCACTGGGC-3'
Protein context (NP_001352928.1, residues 1525-1545): GLDSASLSDV[Asp1535His]TVNPDEDSFS

ClinVar aggregate classification (germline): Uncertain significance (1 of 4 stars; one submission).

Allele frequency attached by ClinVar (database versions not stated): gnomAD exomes below 0.00001.
gnomAD v4.1: 5 of 1,614,226 alleles (0.00031%); highest among the groups gnomAD compares: Non-Finnish European, 0.00042%; no homozygotes.

Submission:

Labcorp Genetics (formerly Invitae), Labcorp
Classification: Uncertain significance. Last evaluated: 2022-03-01. Review status: criteria provided, single submitter. Criteria: Invitae Variant Classification Sherloc (09022015). Collection method: clinical testing. Allele origin: germline.
Comment: In summary, the available evidence is currently insufficient to determine the role of this variant in disease. Therefore, it has been classified as a Variant of Uncertain Significance. Algorithms developed to predict the effect of missense changes on protein structure and function (SIFT, PolyPhen-2, Align-GVGD) all suggest that this variant is likely to be disruptive. This variant has not been reported in the literature in individuals affected with SZT2-related conditions. This variant is not present in population databases (gnomAD no frequency). This sequence change replaces aspartic acid, which is acidic and polar, with histidine, which is basic and polar, at codon 1478 of the SZT2 protein (p.Asp1478His).